The following is an entry in ClinVar:

NM_018993.4(RIN2):c.548C>T (p.Pro183Leu)

Gene: RIN2 (Ras and Rab interactor 2; plus strand). Cytogenetic location: 20p11.23.
Variant type: single nucleotide variant.
Coding change: c.548C>T on transcript NM_018993.4 (MANE Select); coding-DNA position 548, C replaced by T.
Protein change: p.Pro183Leu; replaces proline 183 with leucine.
Molecular consequence: missense variant. On other transcripts: 5 prime UTR variant (1).
Genome position (GRCh38, 1-based): chr20:19,970,849, C>T. VCF-style: chr20-19970849-C-T. GRCh37 (hg19) VCF-style: chr20-19951493-C-T.
Other names: c.695C>T, p.Pro232Leu (NM_001242581.2); c.-71C>T (NM_001378238.1); short protein forms P183L, P232L.
Identifiers: ClinVar variation 1216361 (VCV001216361.13), dbSNP rs201491053, ClinGen allele CA9779868.

ClinVar aggregate classification (germline): Uncertain significance. Review status: criteria provided, multiple submitters, no conflicts (2 of 4 stars). 4 submissions from 4 submitters: Uncertain significance (4). Last evaluated 2025-07-09.

Conditions:
Inborn genetic diseases. Identifiers: MedGen C0950123, MeSH D030342.

Allele frequency attached by ClinVar (database versions not stated): gnomAD 0.00004 and 0.00005; gnomAD exomes 0.00004 and 0.00011; ExAC 0.00005; ESP Exome Variant Server 0.00008; TOPMed 0.00009.
gnomAD v4.1: 164 of 1,612,530 alleles (0.01%); highest among the groups gnomAD compares: Non-Finnish European, 0.013%; no homozygotes.

Submissions (4):

GeneDx
Classification: Uncertain significance. Last evaluated: 2025-07-09. Review status: criteria provided, single submitter. Criteria: GeneDx Variant Classification Process June 2021. Collection method: clinical testing. Allele origin: germline. Affected: yes.
Comment: Has not been previously published as pathogenic or benign to our knowledge; Not observed at significant frequency in large population cohorts (gnomAD); In silico analysis supports that this missense variant has a deleterious effect on protein structure/function

Ambry Genetics
Classification: Uncertain significance for Inborn genetic diseases. Last evaluated: 2024-11-13. Review status: criteria provided, single submitter. Criteria: Ambry Variant Classification Scheme 2023. Collection method: clinical testing. Allele origin: germline.

Blueprint Genetics
Classification: Uncertain significance. Last evaluated: 2024-05-03. Review status: criteria provided, single submitter. Criteria: ACMG Guidelines, 2015. Collection method: clinical testing. Allele origin: germline.

Labcorp Genetics (formerly Invitae), Labcorp
Classification: Uncertain significance. Last evaluated: 2022-03-28. Review status: criteria provided, single submitter. Criteria: Invitae Variant Classification Sherloc (09022015). Collection method: clinical testing. Allele origin: germline.
Comment: This sequence change replaces proline, which is neutral and non-polar, with leucine, which is neutral and non-polar, at codon 183 of the RIN2 protein (p.Pro183Leu). This variant is present in population databases (rs201491053, gnomAD 0.009%). This variant has not been reported in the literature in individuals affected with RIN2-related conditions. ClinVar contains an entry for this variant (Variation ID: 1216361). Algorithms developed to predict the effect of missense changes on protein structure and function are either unavailable or do not agree on the potential impact of this missense change (SIFT: "Deleterious"; PolyPhen-2: "Not Available"; Align-GVGD: "Class C0"). In summary, the available evidence is currently insufficient to determine the role of this variant in disease. Therefore, it has been classified as a Variant of Uncertain Significance.